The following is an entry in ClinVar:

ClinVar aggregate classification (germline): Likely benign (0 of 4 stars; one submission).

Conditions:
TRAPPC14-related disorder. Also called: TRAPPC14-related condition.

Allele frequency attached by ClinVar (database versions not stated): ESP Exome Variant Server 0.00077; gnomAD 0.00117; ExAC 0.00125; gnomAD exomes 0.00138; 1000 Genomes Project 30x 0.00156; TOPMed 0.00164; 1000 Genomes Project 0.00180.
gnomAD v4.1: 2,203 of 1,608,836 alleles (0.14%); highest among the groups gnomAD compares: Admixed American, 0.36%; 2 homozygotes.

Submission:

PreventionGenetics, part of Exact Sciences
Classification: Likely benign for TRAPPC14-related condition. Last evaluated: 2019-06-05. Review status: no assertion criteria provided. Collection method: clinical testing. Allele origin: germline.
Comment: This variant is classified as likely benign based on ACMG/AMP sequence variant interpretation guidelines (Richards et al. 2015 PMID: 25741868, with internal and published modifications).

NM_018275.5(TRAPPC14):c.994-4G>A

Gene: TRAPPC14 (trafficking protein particle complex subunit 14; minus strand). Cytogenetic location: 7q22.1.
Variant type: single nucleotide variant.
Coding change: c.994-4G>A on transcript NM_018275.5 (MANE Select); 4 bases into the intron before coding-DNA position 994, G replaced by A.
Molecular consequence: intron variant.
Genome position (GRCh38, 1-based): chr7:100,156,720, C>T on the plus strand (G>A on the coding strand, the complement: TRAPPC14 is on the minus strand). VCF-style: chr7-100156720-C-T. GRCh37 (hg19) VCF-style: chr7-99754343-C-T.
Other names: c.187-4G>A (NM_001303470.2).
Identifiers: ClinVar variation 3044098 (VCV003044098.2), dbSNP rs143162409, ClinGen allele CA4376820.
Genomic context (GRCh38, chr7:100,156,720, plus strand): 5'-GAAGGGCAGCTTTGGGGTAGACCACTGAACCACAGCAATCAGGGGAACTTCCAGGCCCTG[C>T]AGGAGGGACAAAGGGGGTTGGCACAGGTATTAAGAGTGCCCCTCCCATCTTGAGTCAGCT-3'